The following is an entry in ClinVar:

ClinVar aggregate classification (germline): Pathogenic (1 of 4 stars; one submission).

Allele frequency attached by ClinVar (database versions not stated): 1000 Genomes Project 30x 0.00016; 1000 Genomes Project 0.00020.
gnomAD v4.1: 2 of 1,614,176 alleles (0.00012%); highest among the groups gnomAD compares: East Asian, 0.0022%; no homozygotes.

Submission:

Labcorp Genetics (formerly Invitae), Labcorp
Classification: Pathogenic. Last evaluated: 2023-05-05. Review status: criteria provided, single submitter. Criteria: Invitae Variant Classification Sherloc (09022015). Collection method: clinical testing. Allele origin: germline.
Comment: This sequence change creates a premature translational stop signal (p.Glu438*) in the SLC34A1 gene. It is expected to result in an absent or disrupted protein product. Loss-of-function variants in SLC34A1 are known to be pathogenic (PMID: 26047794). This variant is not present in population databases (gnomAD no frequency). This variant has not been reported in the literature in individuals affected with SLC34A1-related conditions. For these reasons, this variant has been classified as Pathogenic.

Literature cited by the submitters: PubMed 26047794.

NM_003052.5(SLC34A1):c.1312G>T (p.Glu438Ter)

Gene: SLC34A1 (solute carrier family 34 member 1; plus strand). Cytogenetic location: 5q35.3.
Variant type: single nucleotide variant.
Coding change: c.1312G>T on transcript NM_003052.5 (MANE Select); coding-DNA position 1312, G replaced by T.
Protein change: p.Glu438Ter; replaces glutamic acid 438 with a stop codon.
Molecular consequence: nonsense.
Genome position (GRCh38, 1-based): chr5:177,396,970, G>T. VCF-style: chr5-177396970-G-T. GRCh37 (hg19) VCF-style: chr5-176823971-G-T.
Other names: short protein forms E438*.
Identifiers: ClinVar variation 3000594 (VCV003000594.3), dbSNP rs554566423, ClinGen allele CA132828820.